The following is an entry in ClinVar:

NM_017780.4(CHD7):c.6757G>T (p.Glu2253Ter)

Gene: CHD7 (chromodomain helicase DNA binding protein 7; plus strand). Cytogenetic location: 8q12.2.
Variant type: single nucleotide variant.
Coding change: c.6757G>T on transcript NM_017780.4 (MANE Select); coding-DNA position 6757, G replaced by T.
Protein change: p.Glu2253Ter; replaces glutamic acid 2253 with a stop codon.
Molecular consequence: nonsense. On other transcripts: intron variant (1).
Genome position (GRCh38, 1-based): chr8:60,853,482, G>T. VCF-style: chr8-60853482-G-T. GRCh37 (hg19) VCF-style: chr8-61766041-G-T.
Other names: c.6757G>T (LRG_176t1); c.1717-8747G>T (NM_001316690.1); short protein forms E2253*.
Identifiers: ClinVar variation 372738 (VCV000372738.5), dbSNP rs1057517956, ClinGen allele CA16042735.

ClinVar aggregate classification (germline): Pathogenic/Likely pathogenic. Review status: criteria provided, multiple submitters, no conflicts (2 of 4 stars). 3 submissions from 3 submitters: Pathogenic (2); Likely pathogenic (1). Last evaluated 2026-02-28.

Conditions:
CHD7-related CHARGE syndrome. Identifiers: MedGen CN380413, MONDO:1010178, OMIM 214800.
CHARGE syndrome (CHARGE). Also called: CHARGE ASSOCIATION--COLOBOMA, HEART ANOMALY, CHOANAL ATRESIA, RETARDATION, GENITAL AND EAR ANOMALIES; Coloboma, heart anomaly, choanal atresia, retardation, genital and ear anomalies; CHARGE association; Hall-Hittner syndrome; Hittner Hirsch Kreh syndrome. Identifiers: Orphanet 138, MedGen C0265354, MONDO:0008965.

Submissions (3):

Clinical Genomics Laboratory, Washington University in St. Louis
Classification: Likely pathogenic for CHD7-related CHARGE syndrome. Last evaluated: 2026-02-28. Review status: criteria provided, single submitter. Criteria: ACMG Guidelines, 2015. Collection method: clinical testing. Allele origin: germline. Affected: yes.
Comment: The CHD7 c.6757G>T (p.Glu2253*) variant has been reported in one individual affected with CHARGE syndrome; however, it is unclear whether the variant occurred de novo (Bartels CF et al., PMID: 21158681). This variant leads to a premature termination codon, which is predicted to lead to nonsense mediated decay. This variant has been reported in the ClinVar database as a germline pathogenic variant by two submitters. This variant is absent from the general population (gnomAD v4.1.0), indicating it is not a common variant. Based on available information and the ACMG/AMP guidelines for variant interpretation (Richards S et al., PMID: 25741868), this variant is classified as likely pathogenic.

Labcorp Genetics (formerly Invitae), Labcorp
Classification: Pathogenic for CHARGE syndrome. Last evaluated: 2024-02-09. Review status: criteria provided, single submitter. Criteria: Invitae Variant Classification Sherloc (09022015). Collection method: clinical testing. Allele origin: germline.
Comment: This sequence change creates a premature translational stop signal (p.Glu2253*) in the CHD7 gene. It is expected to result in an absent or disrupted protein product. Loss-of-function variants in CHD7 are known to be pathogenic (PMID: 22461308, 25077900). This variant is not present in population databases (gnomAD no frequency). This premature translational stop signal has been observed in individual(s) with CHD7-related conditions (PMID: 21158681). ClinVar contains an entry for this variant (Variation ID: 372738). For these reasons, this variant has been classified as Pathogenic.

GeneDx
Classification: Pathogenic. Last evaluated: 2016-10-17. Review status: criteria provided, single submitter. Criteria: GeneDx Variant Classification (06012015). Collection method: clinical testing. Allele origin: germline. Affected: yes.
Comment: The E2253X nonsense variant in the CHD7 gene has been reported previously in association with CHARGE syndrome (Bartels et al., 2010). Approximately 45% of CHD7 pathogenic variants are nonsense changes predicted to cause loss of normal protein function either through protein truncation or nonsense-mediated mRNA decay (Janssen et al., 2012; Zentner et al, 2010). In addition, the E2253X variant was not observed in approximately 6,200 individuals of European and African American ancestry in the NHLBI Exome Sequencing Project, indicating it is not a common benign variant in these populations.

Literature cited by the submitters: PubMed 22461308 (cited by Labcorp Genetics (formerly Invitae), Labcorp); PubMed 25077900 (cited by Labcorp Genetics (formerly Invitae), Labcorp); PubMed 21158681 (cited by Labcorp Genetics (formerly Invitae), Labcorp).